The following is an entry in ClinVar:

NM_004006.3(DMD):c.9767dup (p.Ser3257fs)

Gene: DMD (dystrophin; minus strand). Cytogenetic location: Xp21.2.
Variant type: Duplication.
Coding change: c.9767dup on transcript NM_004006.3 (MANE Select); coding-DNA position 9767, one base duplicated (G; older notation c.9767dupG).
Protein change: p.Ser3257fs; shifts the reading frame from serine 3257.
Molecular consequence: frameshift variant.
Genome position (GRCh38, 1-based): chrX:31,204,001, C duplicated on the plus strand (G on the coding strand, the reverse complement: DMD is on the minus strand); the first of 5 consecutive C bases (chrX:31,204,001-31,204,005); duplicating any one gives the same sequence. VCF-style (leftmost placement, unchanged base first): chrX-31204000-G-GC. GRCh37 (hg19) VCF-style: chrX-31222117-G-GC.
Other names: c.9767dupG (NM_004006.2); c.9743dup, p.Ser3249fs (NM_000109.4); c.9755dup, p.Ser3253fs (NM_004009.3); c.9398dup, p.Ser3134fs (NM_004010.3); c.5744dup, p.Ser1916fs (NM_004011.4); c.5735dup, p.Ser1913fs (NM_004012.4); c.2387dup, p.Ser797fs (NM_004013.3, NM_004020.4, NM_004021.3 and 2 more transcripts); c.1580dup, p.Ser528fs (NM_004014.3); and 1 more; short protein forms S528fs, S1916fs, S3134fs, S3253fs, S3257fs, S1913fs, S797fs, S189fs.
Identifiers: ClinVar variation 592244 (VCV000592244.6), dbSNP rs398124103, ClinGen allele CA267197.
Genomic context (GRCh38, chrX:31,204,000, plus strand): 5'-CCTAGAAGGTGAATAACTTACAAATTGGAAGCAGCTCCGGACACTTGGCTCAATGTTACT[G>GC]CCCCCAAAGGATGCAACTTCACCCAACTGTCTTGGAATTTGGATAGAATCATGCAGAAGG-3'

ClinVar aggregate classification (germline): Pathogenic. Review status: criteria provided, multiple submitters, no conflicts (2 of 4 stars). 2 submissions from 2 submitters: Pathogenic (2). Last evaluated 2025-11-10.

Conditions:
Duchenne muscular dystrophy (DMD). Also called: MUSCULAR DYSTROPHY, PSEUDOHYPERTROPHIC PROGRESSIVE, DUCHENNE TYPE; Duchenne Muscular Dystrophy (DMD). Identifiers: Orphanet 98896, MedGen C0013264, MONDO:0010679, OMIM 310200.

Submissions (2):

Labcorp Genetics (formerly Invitae), Labcorp
Classification: Pathogenic for Duchenne muscular dystrophy. Last evaluated: 2025-11-10. Review status: criteria provided, single submitter. Criteria: Invitae Variant Classification Sherloc (09022015). Collection method: clinical testing. Allele origin: germline.
Comment: This sequence change creates a premature translational stop signal (p.Ser3257Glnfs*2) in the DMD gene. It is expected to result in an absent or disrupted protein product. Loss-of-function variants in DMD are known to be pathogenic (PMID: 16770791, 25007885). This variant is not present in population databases (gnomAD no frequency). This variant has not been reported in the literature in individuals affected with DMD-related conditions. ClinVar contains an entry for this variant (Variation ID: 592244). For these reasons, this variant has been classified as Pathogenic.

Eurofins Ntd Llc (ga)
Classification: Pathogenic. Last evaluated: 2018-04-03. Review status: criteria provided, single submitter. Criteria: EGL ClinVar v180209 classification definitions. Collection method: clinical testing. Allele origin: germline. Observed: 3 variant alleles, 3 hemizygotes.

Literature cited by the submitters: PubMed 16770791 (cited by Labcorp Genetics (formerly Invitae), Labcorp); PubMed 25007885 (cited by Labcorp Genetics (formerly Invitae), Labcorp).